The following is an entry in ClinVar:

NM_001256545.2(MEGF10):c.2942C>T (p.Pro981Leu)

Gene: MEGF10 (multiple EGF like domains 10; plus strand). Cytogenetic location: 5q23.2.
Variant type: single nucleotide variant.
Coding change: c.2942C>T on transcript NM_001256545.2 (MANE Select); coding-DNA position 2942, C replaced by T.
Protein change: p.Pro981Leu; replaces proline 981 with leucine.
Molecular consequence: missense variant.
Genome position (GRCh38, 1-based): chr5:127,449,184, C>T. VCF-style: chr5-127449184-C-T. GRCh37 (hg19) VCF-style: chr5-126784876-C-T.
Other names: c.2942C>T, p.Pro981Leu (NM_032446.3); short protein forms P981L.
Identifiers: ClinVar variation 419106 (VCV000419106.7), dbSNP rs1064793648, ClinGen allele CA16618107.

ClinVar aggregate classification (germline): Uncertain significance. Review status: criteria provided, multiple submitters, no conflicts (2 of 4 stars). 3 submissions from 3 submitters: Uncertain significance (3). Last evaluated 2022-02-06.

Conditions:
MEGF10-related myopathy (CMYO10A). Also called: Congenital myopathy 10A, severe variant. Identifiers: Orphanet 439212, MedGen C3280679, MONDO:0013731, OMIM 614399.

Allele frequency attached by ClinVar (database versions not stated): gnomAD exomes below 0.00001; TOPMed 0.00002; gnomAD 0.00003 and 0.00004.
gnomAD v4.1: 8 of 1,613,662 alleles (0.0005%); highest among the groups gnomAD compares: African/African-American, 0.0067%; no homozygotes.

Submissions (3):

Labcorp Genetics (formerly Invitae), Labcorp
Classification: Uncertain significance for MEGF10-related myopathy. Last evaluated: 2022-02-06. Review status: criteria provided, single submitter. Criteria: Invitae Variant Classification Sherloc (09022015). Collection method: clinical testing. Allele origin: germline.
Comment: This sequence change replaces proline, which is neutral and non-polar, with leucine, which is neutral and non-polar, at codon 981 of the MEGF10 protein (p.Pro981Leu). The frequency data for this variant in the population databases is considered unreliable, as metrics indicate poor data quality at this position in the gnomAD database. This variant has not been reported in the literature in individuals affected with MEGF10-related conditions. ClinVar contains an entry for this variant (Variation ID: 419106). Algorithms developed to predict the effect of missense changes on protein structure and function are either unavailable or do not agree on the potential impact of this missense change (SIFT: "Deleterious"; PolyPhen-2: "Benign"; Align-GVGD: "Class C0"). In summary, the available evidence is currently insufficient to determine the role of this variant in disease. Therefore, it has been classified as a Variant of Uncertain Significance.

Illumina Laboratory Services, Illumina
Classification: Uncertain significance for MEGF10-related myopathy. Last evaluated: 2018-01-13. Review status: criteria provided, single submitter. Criteria: ICSL Variant Classification Criteria 13 December 2019. Collection method: clinical testing. Allele origin: germline.

GeneDx
Classification: Uncertain significance. Last evaluated: 2017-03-23. Review status: criteria provided, single submitter. Criteria: GeneDx Variant Classification (06012015). Collection method: clinical testing. Allele origin: germline. Affected: yes.
Comment: The P981L variant has not been published as a pathogenic variant, nor has it been reported as a benign variant to our knowledge. The P981L variant is not observed in large population cohorts (Lek et al., 2016; 1000 Genomes Consortium et al., 2015; Exome Variant Server). This variant is a semi-conservative amino acid substitution, which may impact secondary protein structure as these residues differ in some properties. This substitution occurs at a position that is conserved across species, and in silico analysis predicts this variant is probably damaging to the protein structure/function. However, missense variants in nearby residues have not been reported in the Human Gene Mutation Database in association with EMARDD (Stenson et al., 2014).